The following is an entry in ClinVar:

NM_001854.4(COL11A1):c.1282_1285del (p.Lys428fs)

Gene: COL11A1 (collagen type XI alpha 1 chain; minus strand). Cytogenetic location: 1p21.1.
Variant type: Deletion.
Coding change: c.1282_1285del on transcript NM_001854.4 (MANE Select); coding-DNA positions 1282 to 1285, 4 bases deleted (AAAG; older notation c.1282_1285delAAAG).
Protein change: p.Lys428fs; shifts the reading frame from lysine 428.
Molecular consequence: frameshift variant. On other transcripts: non-coding transcript variant (1).
Genome position (GRCh38, 1-based): chr1:103,021,730-103,021,733, CTTT deleted on the plus strand (AAAG on the coding strand, the reverse complement: COL11A1 is on the minus strand); deleting any 4 consecutive bases within chr1:103,021,730-103,021,735 gives the same sequence; the c. name uses the placement nearest the transcript's 3' end. VCF-style (leftmost placement, unchanged base first): chr1-103021729-CCTTT-C. GRCh37 (hg19) VCF-style: chr1-103487285-CCTTT-C.
Other names: c.1165_1168del, p.Lys389fs (NM_001190709.2); c.1318_1321del, p.Lys440fs (NM_080629.3); c.934_937del, p.Lys312fs (NM_080630.4); short protein forms K312fs, K389fs, K428fs, K440fs.
Identifiers: ClinVar variation 5018631 (VCV005018631.2).

ClinVar aggregate classification (germline): Likely pathogenic (1 of 4 stars; one submission).

Conditions:
Fibrochondrogenesis 1 (FBCG1). Identifiers: Orphanet 2021, MedGen C3278138, MONDO:0009226, OMIM 228520.

Submission:

Juno Genomics, Hangzhou Juno Genomics, Inc
Classification: Likely pathogenic for Fibrochondrogenesis 1. Review status: criteria provided, single submitter. Criteria: ACMG Guidelines, 2015. Collection method: clinical testing. Allele origin: germline.
Comment: Absent from controls (or at extremely low frequency if recessive) in Genome Aggregation Database.;Null variant in a gene where loss of function (LOF) is a known mechanism of disease.